The following is an entry in ClinVar:

ClinVar aggregate classification (germline): Uncertain significance (1 of 4 stars; one submission).

gnomAD v4.1: 1 of 1,611,842 alleles (0.000062%); highest among the groups gnomAD compares: Non-Finnish European, 0.000085%; no homozygotes.

Submission:

CeGaT Center for Human Genetics Tuebingen
Classification: Uncertain significance. Last evaluated: 2023-06-01. Review status: criteria provided, single submitter. Criteria: CeGaT Center For Human Genetics Tuebingen Variant Classification Criteria Version 2. Collection method: clinical testing. Allele origin: germline. Affected: yes. Observed: 1 variant allele.
Comment: CREBBP: PM2

NM_004380.3(CREBBP):c.7018A>C (p.Ser2340Arg)

Gene: CREBBP (CREB binding lysine acetyltransferase; minus strand). Cytogenetic location: 16p13.3.
Variant type: single nucleotide variant.
Coding change: c.7018A>C on transcript NM_004380.3 (MANE Select); coding-DNA position 7018, A replaced by C.
Protein change: p.Ser2340Arg; replaces serine 2340 with arginine.
Molecular consequence: missense variant.
Genome position (GRCh38, 1-based): chr16:3,728,029, T>G on the plus strand (A>C on the coding strand, the complement: CREBBP is on the minus strand). VCF-style: chr16-3728029-T-G. GRCh37 (hg19) VCF-style: chr16-3778030-T-G.
Other names: c.6904A>C, p.Ser2302Arg (NM_001079846.1); short protein forms S2302R, S2340R.
Identifiers: ClinVar variation 2646130 (VCV002646130.24), dbSNP rs765037692, ClinGen allele CA394550809.